The following is an entry in ClinVar:

ClinVar aggregate classification (germline): Uncertain significance (1 of 4 stars; one submission).

Conditions:
RFT1-congenital disorder of glycosylation (CDG1N). Also called: RFT1-CDG; CDG In; Congenital disorder of glycosylation type In. Identifiers: Orphanet 244310, MedGen C2677590, MONDO:0012783, OMIM 612015.

Allele frequency attached by ClinVar (database versions not stated): gnomAD 0.00001; TOPMed 0.00001; ExAC 0.00005; gnomAD exomes 0.00005; ESP Exome Variant Server 0.00008.
gnomAD v4.1: 75 of 1,566,626 alleles (0.0048%); highest among the groups gnomAD compares: Non-Finnish European, 0.0062%; no homozygotes.

Submission:

Labcorp Genetics (formerly Invitae), Labcorp
Classification: Uncertain significance for RFT1-congenital disorder of glycosylation. Last evaluated: 2022-03-04. Review status: criteria provided, single submitter. Criteria: Invitae Variant Classification Sherloc (09022015). Collection method: clinical testing. Allele origin: germline.
Comment: This sequence change falls in intron 1 of the RFT1 gene. It does not directly change the encoded amino acid sequence of the RFT1 protein. It affects a nucleotide within the consensus splice site. The frequency data for this variant in the population databases is considered unreliable, as metrics indicate poor data quality at this position in the gnomAD database. This variant has not been reported in the literature in individuals affected with RFT1-related conditions. Variants that disrupt the consensus splice site are a relatively common cause of aberrant splicing (PMID: 17576681, 9536098). Algorithms developed to predict the effect of sequence changes on RNA splicing suggest that this variant may create or strengthen a splice site. In summary, the available evidence is currently insufficient to determine the role of this variant in disease. Therefore, it has been classified as a Variant of Uncertain Significance.

Literature cited by the submitters: PubMed 17576681; PubMed 9536098.

NM_052859.4(RFT1):c.63+3A>G

Genes: RFT1 (RFT1 glycolipid translocator homolog; minus strand), LOC129936883 (ATAC-STARR-seq lymphoblastoid active region 19954; plus strand). Cytogenetic location: 3p21.1.
Variant type: single nucleotide variant.
Coding change: c.63+3A>G on transcript NM_052859.4 (MANE Select); 3 bases into the intron after coding-DNA position 63, A replaced by G.
Molecular consequence: intron variant.
Genome position (GRCh38, 1-based): chr3:53,130,335, T>C on the plus strand (A>G on the coding strand, the complement: RFT1 is on the minus strand). VCF-style: chr3-53130335-T-C. GRCh37 (hg19) VCF-style: chr3-53164351-T-C.
Identifiers: ClinVar variation 2069766 (VCV002069766.1), dbSNP rs372159471, ClinGen allele CA2451578.